The following is an entry in ClinVar:

NM_000370.3(TTPA):c.467_469delinsT (p.Ala156fs)

Gene: TTPA (alpha tocopherol transfer protein; minus strand). Cytogenetic location: 8q12.3.
Variant type: Indel.
Coding change: c.467_469delinsT on transcript NM_000370.3 (MANE Select); coding-DNA positions 467 to 469, CTA replaced by T.
Protein change: p.Ala156fs; shifts the reading frame from alanine 156.
Molecular consequence: frameshift variant.
Genome position (GRCh38, 1-based): chr8:63,065,987-63,065,989, TAG replaced by A on the plus strand (CTA replaced by T on the coding strand, the reverse complement: TTPA is on the minus strand). VCF-style: chr8-63065987-TAG-A. GRCh37 (hg19) VCF-style: chr8-63978546-TAG-A.
Other names: c.467_469delCTAinsT, p.Ala156Valfs (NM_001413416.1); c.584_586delCTAinsT, p.Ala195Valfs (NM_001413418.1); short protein forms A156fs.
Identifiers: ClinVar variation 1725390 (VCV001725390.2), dbSNP rs2487147481, ClinGen allele CA2580078910.

ClinVar aggregate classification (germline): Likely pathogenic (1 of 4 stars; one submission).

Conditions:
Familial isolated deficiency of vitamin E (AVED). Also called: ATAXIA, FRIEDREICH-LIKE, WITH SELECTIVE VITAMIN E DEFICIENCY; Ataxia with isolated vitamin E deficiency. Identifiers: Orphanet 96, MedGen C1848533, MONDO:0010188, OMIM 277460.

Submission:

Myriad Genetics, Inc.
Classification: Likely pathogenic for Familial isolated deficiency of vitamin E. Last evaluated: 2022-03-17. Review status: criteria provided, single submitter. Criteria: Myriad Women's Health Autosomal Recessive and X-Linked Classification Criteria (2021). Collection method: clinical testing. Allele origin: unknown.
Comment: NM_000370.3(TTPA):c.467_469delCTAinsT(A156Vfs*3) is expected to be pathogenic in the context of ataxia with vitamin E deficiency. This variant is predicted to lead to an abnormal or absent protein product due to the creation of a premature termination codon in TTPA, a gene where loss-of-function variants are known to be pathogenic. Please note: this variant was assessed in the context of healthy population screening.